The following is an entry in ClinVar:

NM_001429.4(EP300):c.2639C>T (p.Pro880Leu)

Gene: EP300 (EP300 lysine acetyltransferase; plus strand). Cytogenetic location: 22q13.2.
Variant type: single nucleotide variant.
Coding change: c.2639C>T on transcript NM_001429.4 (MANE Select); coding-DNA position 2639, C replaced by T.
Protein change: p.Pro880Leu; replaces proline 880 with leucine.
Molecular consequence: missense variant.
Genome position (GRCh38, 1-based): chr22:41,150,020, C>T. VCF-style: chr22-41150020-C-T. GRCh37 (hg19) VCF-style: chr22-41546024-C-T.
Other names: c.2561C>T, p.Pro854Leu (NM_001362843.2); short protein forms P880L, P854L.
Identifiers: ClinVar variation 4249467 (VCV004249467.2).

ClinVar aggregate classification (germline): Uncertain significance. Review status: criteria provided, multiple submitters, no conflicts (2 of 4 stars). 2 submissions from 2 submitters: Uncertain significance (2). Last evaluated 2025-09-11.

Conditions:
EP300-related disorder. Also called: EP300-related disorders; EP300-related condition.
Inborn genetic diseases. Identifiers: MedGen C0950123, MeSH D030342.

Submissions (2):

Ambry Genetics
Classification: Uncertain significance for Inborn genetic diseases. Last evaluated: 2025-09-11. Review status: criteria provided, single submitter. Criteria: Ambry Variant Classification Scheme 2023. Collection method: clinical testing. Allele origin: germline.

PreventionGenetics, part of Exact Sciences
Classification: Uncertain significance for EP300-related condition. Last evaluated: 2025-07-15. Review status: criteria provided, single submitter. Criteria: ACMG Guidelines, 2015. Collection method: clinical testing. Allele origin: germline.
Comment: The EP300 c.2639C>T variant is predicted to result in the amino acid substitution p.Pro880Leu. To our knowledge, this variant has not been reported in the literature or in a large population database (gnomAD), indicating this variant is rare. At this time, the clinical significance of this variant is uncertain due to the absence of conclusive functional and genetic evidence.